The following is an entry in ClinVar:

ClinVar aggregate classification (germline): Likely benign. Review status: criteria provided, single submitter (1 of 4 stars). 2 submissions from 2 submitters: Likely benign (1). 1 of the submissions does not count toward it. Last evaluated 2023-03-23.

Conditions:
Hereditary cancer-predisposing syndrome. Also called: Tumor predisposition; Hereditary neoplastic syndrome; Hereditary Cancer Syndrome; Neoplastic Syndromes, Hereditary. Identifiers: Orphanet 140162, MedGen C0027672, MeSH D009386, MONDO:0015356.

Submissions (2):

University of Washington Department of Laboratory Medicine, University of Washington
Classification: Likely benign for Hereditary cancer-predisposing syndrome. Last evaluated: 2023-03-23. Review status: criteria provided, single submitter. Criteria: Dines et al. (Genet Med. 2020). Collection method: curation. Allele origin: germline.
Comment: Missense variant in a coldspot region where missense variants are very unlikely to be pathogenic (PMID:31911673).

BRCA2 exon 10 coldspot. Reclassification based on statistical prior probability.

Department of Pathology and Laboratory Medicine, Sinai Health System
Classification: Uncertain significance. Review status: no assertion criteria provided. Collection method: clinical testing. Allele origin: unknown. Affected: yes. Study: The Canadian Open Genetics Repository (COGR). Not counted in ClinVar's aggregate classification.
Comment: The BRCA2 p.Ser303Phe variant was not identified in the literature nor was it identified in the LOVD 3.0, UMD-LSDB, databases. The variant was identified in dbSNP (ID: rs867323565) as â€šÃ„ÃºWith Uncertain significance alleleâ€šÃ„Ã¹ and ClinVar (1x as uncertain significance by Invitae). The variant was not identified in the following control databases: the Exome Aggregation Consortium (August 8th 2016), or the Genome Aggregation Database (Feb 27, 2017). The p.Ser303Phe residue is not conserved in mammals and four out of five computational analyses (PolyPhen-2, SIFT, AlignGVGD, BLOSUM, MutationTaster) do not suggest a high likelihood of impact to the protein; however, this information is not predictive enough to rule out pathogenicity. The variant occurs outside of the splicing consensus sequence and in silico or computational prediction software programs (SpliceSiteFinder, MaxEntScan, NNSPLICE, GeneSplicer) do not predict a difference in splicing. Ser303Phe variant does not have clinical significance. In summary, based on the above information the clinical significance of this variant cannot be determined with certainty at this time. This variant is classified as a variant of uncertain significance.

NM_000059.4(BRCA2):c.908C>T (p.Ser303Phe)

Gene: BRCA2 (BRCA2 DNA repair associated; plus strand). Cytogenetic location: 13q13.1.
Variant type: single nucleotide variant.
Coding change: c.908C>T on transcript NM_000059.4 (MANE Select); coding-DNA position 908, C replaced by T.
Protein change: p.Ser303Phe; replaces serine 303 with phenylalanine.
Molecular consequence: missense variant.
Genome position (GRCh38, 1-based): chr13:32,332,386, C>T. VCF-style: chr13-32332386-C-T. GRCh37 (hg19) VCF-style: chr13-32906523-C-T.
Other names: short protein forms S303F.
Identifiers: ClinVar variation 1050114 (VCV001050114.3), dbSNP rs867323565, ClinGen allele CA247496211.
Genomic context (GRCh38, chr13:32,332,386, plus strand): 5'-TTGGAAAGTCAATGCCAAATGTCCTAGAAGATGAAGTATATGAAACAGTTGTAGATACCT[C>T]TGAAGAAGATAGTTTTTCATTATGTTTTTCTAAATGTAGAACAAAAAATCTACAAAAAGT-3'
Protein context (NP_000050.3, residues 293-313): DEVYETVVDT[Ser303Phe]EEDSFSLCFS